The following is an entry in ClinVar:

ClinVar aggregate classification (germline): Uncertain significance. Review status: criteria provided, multiple submitters, no conflicts (2 of 4 stars). 2 submissions from 2 submitters: Uncertain significance (2). Last evaluated 2022-04-09.

Conditions:
Cardiovascular phenotype. Identifiers: MedGen CN230736.
Hypertrophic cardiomyopathy 14. Identifiers: MedGen C2750467, MONDO:0013197, OMIM 613251.

Allele frequency attached by ClinVar (database versions not stated): TOPMed below 0.00001; ExAC 0.00001; gnomAD exomes below 0.00001 and 0.00002; gnomAD 0.00003.
gnomAD v4.1: 5 of 1,613,904 alleles (0.00031%); highest among the groups gnomAD compares: East Asian, 0.011%; no homozygotes.

Submissions (2):

Labcorp Genetics (formerly Invitae), Labcorp
Classification: Uncertain significance for Hypertrophic cardiomyopathy 14. Last evaluated: 2022-04-09. Review status: criteria provided, single submitter. Criteria: Invitae Variant Classification Sherloc (09022015). Collection method: clinical testing. Allele origin: germline.
Comment: This sequence change falls in intron 5 of the MYH6 gene. It does not directly change the encoded amino acid sequence of the MYH6 protein. It affects a nucleotide within the consensus splice site. This variant is present in population databases (rs764301017, gnomAD 0.03%). This variant has not been reported in the literature in individuals affected with MYH6-related conditions. ClinVar contains an entry for this variant (Variation ID: 518586). Variants that disrupt the consensus splice site are a relatively common cause of aberrant splicing (PMID: 17576681, 9536098). Algorithms developed to predict the effect of sequence changes on RNA splicing suggest that this variant is not likely to affect RNA splicing. In summary, the available evidence is currently insufficient to determine the role of this variant in disease. Therefore, it has been classified as a Variant of Uncertain Significance.

Ambry Genetics
Classification: Uncertain significance for Cardiovascular phenotype. Last evaluated: 2016-11-04. Review status: criteria provided, single submitter. Criteria: Ambry Variant Classification Scheme 2023. Collection method: clinical testing. Allele origin: germline.
Comment: The c.502+5G>A intronic variant results from a G to A substitution 5 nucleotides after coding exon 3 in the MYH6 gene. Based on data from gnomAD, the A allele has an overall frequency of less than 0.01% (6/282664) total alleles studied. The highest observed frequency was 0.032% (6/18942) of East Asian alleles. This nucleotide position is well conserved in available vertebrate species. Using the BDGP and ESEfinder splice site prediction tools, this alteration is predicted to weaken the efficiency of the native splice donor site; however, direct evidence is unavailable. Furthermore, loss of function of MYH6 has not been clearly established as a mechanism of disease. Since supporting evidence is limited at this time, the clinical significance of this alteration remains unclear.

Literature cited by the submitters: PubMed 17576681 (cited by Labcorp Genetics (formerly Invitae), Labcorp); PubMed 9536098 (cited by Labcorp Genetics (formerly Invitae), Labcorp).

NM_002471.4(MYH6):c.502+5G>A

Genes: MYH6 (myosin heavy chain 6; minus strand), LOC114827851 (VISTA enhancer hs2155; plus strand). Cytogenetic location: 14q11.2.
Variant type: single nucleotide variant.
Coding change: c.502+5G>A on transcript NM_002471.4 (MANE Select); 5 bases into the intron after coding-DNA position 502, G replaced by A.
Molecular consequence: intron variant.
Genome position (GRCh38, 1-based): chr14:23,405,218, C>T on the plus strand (G>A on the coding strand, the complement: MYH6 is on the minus strand). VCF-style: chr14-23405218-C-T. GRCh37 (hg19) VCF-style: chr14-23874427-C-T.
Identifiers: ClinVar variation 518586 (VCV000518586.11), dbSNP rs764301017, ClinGen allele CA7116154.
Genomic context (GRCh38, chr14:23,405,218, plus strand): 5'-TCAGGGCTGAGGATCTGGGTGGGTGTCTGGGAGGAGGAGCAGAGACCAGGGGCCACCAGG[C>T]TCACCTGTCAGCATGTACTGATAGGCGTTGTCGGAGATGGAGAAGATGTGGGGCGGGGCC-3'